The following is an entry in ClinVar:

ClinVar aggregate classification (germline): Likely pathogenic (1 of 4 stars; one submission).

gnomAD v4.1: 1 of 1,613,638 alleles (0.000062%); highest among the groups gnomAD compares: Non-Finnish European, 0.000085%; no homozygotes.

Submission:

Labcorp Genetics (formerly Invitae), Labcorp
Classification: Likely pathogenic. Last evaluated: 2024-03-13. Review status: criteria provided, single submitter. Criteria: Invitae Variant Classification Sherloc (09022015). Collection method: clinical testing. Allele origin: germline.
Comment: This sequence change replaces proline, which is neutral and non-polar, with alanine, which is neutral and non-polar, at codon 404 of the TMPRSS3 protein (p.Pro404Ala). This variant is not present in population databases (gnomAD no frequency). This variant has not been reported in the literature in individuals affected with TMPRSS3-related conditions. Advanced modeling of protein sequence and biophysical properties (such as structural, functional, and spatial information, amino acid conservation, physicochemical variation, residue mobility, and thermodynamic stability) performed at Invitae indicates that this missense variant is expected to disrupt TMPRSS3 protein function with a positive predictive value of 95%. This variant disrupts the p.Pro404 amino acid residue in TMPRSS3. Other variant(s) that disrupt this residue have been determined to be pathogenic (PMID: 11462234, 31850270). This suggests that this residue is clinically significant, and that variants that disrupt this residue are likely to be disease-causing. In summary, the currently available evidence indicates that the variant is pathogenic, but additional data are needed to prove that conclusively. Therefore, this variant has been classified as Likely Pathogenic.

Literature cited by the submitters: PubMed 11462234; PubMed 31850270.

NM_001256317.3(TMPRSS3):c.1207C>G (p.Pro403Ala)

Gene: TMPRSS3 (transmembrane serine protease 3; minus strand). Cytogenetic location: 21q22.3.
Variant type: single nucleotide variant.
Coding change: c.1207C>G on transcript NM_001256317.3 (MANE Select); coding-DNA position 1207, C replaced by G.
Protein change: p.Pro403Ala; replaces proline 403 with alanine.
Molecular consequence: missense variant.
Genome position (GRCh38, 1-based): chr21:42,375,853, G>C on the plus strand (C>G on the coding strand, the complement: TMPRSS3 is on the minus strand). VCF-style: chr21-42375853-G-C. GRCh37 (hg19) VCF-style: chr21-43795962-G-C.
Other names: c.1210C>G, p.Pro404Ala (NM_024022.4); c.829C>G, p.Pro277Ala (NM_032404.3); short protein forms P277A, P403A, P404A.
Identifiers: ClinVar variation 3607665 (VCV003607665.2).